The following is an entry in ClinVar:

NM_000135.4(FANCA):c.4316G>A (p.Arg1439Lys)

Genes: FANCA (FA complementation group A; minus strand), ZNF276 (zinc finger protein 276; plus strand). Cytogenetic location: 16q24.3.
Variant type: single nucleotide variant.
Coding change: c.4316G>A on transcript NM_000135.4 (MANE Select); coding-DNA position 4316, G replaced by A.
Protein change: p.Arg1439Lys; replaces arginine 1439 with lysine.
Molecular consequence: missense variant. On other transcripts: 3 prime UTR variant (3), non-coding transcript variant (4).
Genome position (GRCh38, 1-based): chr16:89,738,653, C>T on the plus strand (G>A on the coding strand, the complement: FANCA is on the minus strand). VCF-style: chr16-89738653-C-T. GRCh37 (hg19) VCF-style: chr16-89805061-C-T.
Other names: c.*45G>A (NM_001286167.3); c.*407C>T (NM_001113525.2, NM_152287.4); short protein forms R1439K.
Identifiers: ClinVar variation 4802812 (VCV004802812.1).

ClinVar aggregate classification (germline): Uncertain significance (1 of 4 stars; one submission).

Conditions:
Fanconi anemia (FA). Also called: Fanconi's anemia. Identifiers: Orphanet 84, MedGen C0015625, MeSH D005199, MONDO:0019391.

Submission:

Labcorp Genetics (formerly Invitae), Labcorp
Classification: Uncertain significance for Fanconi anemia. Last evaluated: 2025-10-23. Review status: criteria provided, single submitter. Criteria: Invitae Variant Classification Sherloc (09022015). Collection method: clinical testing. Allele origin: germline.
Comment: This sequence change replaces arginine, which is basic and polar, with lysine, which is basic and polar, at codon 1439 of the FANCA protein (p.Arg1439Lys). This variant is present in population databases (rs587778322, gnomAD 0.0009%). This missense change has been observed in individual(s) with fanconi anemia (PMID: 30809872). Invitae Evidence Modeling of protein sequence and biophysical properties (such as structural, functional, and spatial information, amino acid conservation, physicochemical variation, residue mobility, and thermodynamic stability) indicates that this missense variant is not expected to disrupt FANCA protein function with a negative predictive value of 95%. In summary, the available evidence is currently insufficient to determine the role of this variant in disease. Therefore, it has been classified as a Variant of Uncertain Significance.

Literature cited by the submitters: PubMed 30809872.